The following is an entry in ClinVar:

ClinVar aggregate classification (germline): Uncertain significance (1 of 4 stars; one submission).

Conditions:
Hereditary cancer-predisposing syndrome. Also called: Neoplastic Syndromes, Hereditary; Tumor predisposition; Hereditary Cancer Syndrome; Hereditary neoplastic syndrome. Identifiers: Orphanet 140162, MedGen C0027672, MeSH D009386, MONDO:0015356.

Submission:

Ambry Genetics
Classification: Uncertain significance for Hereditary cancer-predisposing syndrome. Last evaluated: 2021-02-19. Review status: criteria provided, single submitter. Criteria: Ambry Variant Classification Scheme 2023. Collection method: clinical testing. Allele origin: germline.
Comment: The p.A22S variant (also known as c.64G>T), located in coding exon 1 of the SUFU gene, results from a G to T substitution at nucleotide position 64. The alanine at codon 22 is replaced by serine, an amino acid with similar properties. This amino acid position is well conserved in available vertebrate species. In addition, the in silico prediction for this alteration is inconclusive. Since supporting evidence is limited at this time, the clinical significance of this alteration remains unclear.

NM_016169.4(SUFU):c.64G>T (p.Ala22Ser)

Genes: SUFU (SUFU negative regulator of hedgehog signaling; plus strand), LOC130004614 (ATAC-STARR-seq lymphoblastoid silent region 2764; plus strand). Cytogenetic location: 10q24.32.
Variant type: single nucleotide variant.
Coding change: c.64G>T on transcript NM_016169.4 (MANE Select); coding-DNA position 64, G replaced by T.
Protein change: p.Ala22Ser; replaces alanine 22 with serine.
Molecular consequence: missense variant.
Genome position (GRCh38, 1-based): chr10:102,504,216, G>T. VCF-style: chr10-102504216-G-T. GRCh37 (hg19) VCF-style: chr10-104263973-G-T.
Other names: c.64G>T, p.Ala22Ser (NM_001178133.2); short protein forms A22S.
Identifiers: ClinVar variation 1753905 (VCV001753905.2), dbSNP rs1564654422, ClinGen allele CA377886319.